The following is an entry in ClinVar:

ClinVar aggregate classification (germline): Pathogenic/Likely pathogenic. Review status: criteria provided, multiple submitters, no conflicts (2 of 4 stars). 10 submissions from 10 submitters: Pathogenic (3); Likely pathogenic (5). 2 of the submissions do not count toward it. Last evaluated 2026-01-13.

Conditions:
Deficiency of mevalonate kinase. Also called: Mevalonate kinase deficiency. Identifiers: Orphanet 309025, MedGen C0342731, MONDO:0017708.
MVK-related disorder. Also called: MVK-related condition; MVK-related disorders. Identifiers: MedGen CN239294.
Porokeratosis 3, disseminated superficial actinic type (POROK3). Also called: POROKERATOSIS, DISSEMINATED SUPERFICIAL ACTINIC, 1; POROKERATOSIS 3, MULTIPLE TYPES; POROKERATOSIS 3, MIBELLI TYPE. Identifiers: MedGen C1867981, MONDO:0008293, OMIM 175900.
Mevalonic aciduria (MEVA). Identifiers: Orphanet 29, MedGen C1959626, MONDO:0012481, OMIM 610377.
Hyperimmunoglobulin D with periodic fever (HIDS). Also called: HYPERIMMUNOGLOBULINEMIA D AND PERIODIC FEVER SYNDROME; Hyperimmunoglobulinemia D with periodic fever; Hyperimmunoglobulinemia D. Identifiers: Orphanet 343, MedGen C0398691, MONDO:0009849, OMIM 260920.

Allele frequency attached by ClinVar (database versions not stated): TOPMed 0.00002; ExAC 0.00004; gnomAD exomes 0.00004; gnomAD 0.00005; ESP Exome Variant Server 0.00008.
gnomAD v4.1: 65 of 1,612,310 alleles (0.004%); highest among the groups gnomAD compares: Non-Finnish European, 0.005%; no homozygotes.

Submissions (10):

Labcorp Genetics (formerly Invitae), Labcorp
Classification: Pathogenic for Mevalonic aciduria; Hyperimmunoglobulin D with periodic fever; Porokeratosis 3, disseminated superficial actinic type. Last evaluated: 2026-01-13. Review status: criteria provided, single submitter. Criteria: Invitae Variant Classification Sherloc (09022015). Collection method: clinical testing. Allele origin: germline.
Comment: This sequence change replaces histidine, which is basic and polar, with arginine, which is basic and polar, at codon 380 of the MVK protein (p.His380Arg). This variant is present in population databases (rs104895324, gnomAD 0.008%). This missense change has been observed in individual(s) with hyperimmunoglobulinemia D and periodic fever syndrome (HIDS) (PMID: 15804303, 19011501, 21399979, 24561416, 29047407). In at least one individual the data is consistent with being in trans (on the opposite chromosome) from a pathogenic variant. ClinVar contains an entry for this variant (Variation ID: 97569). Invitae Evidence Modeling of protein sequence and biophysical properties (such as structural, functional, and spatial information, amino acid conservation, physicochemical variation, residue mobility, and thermodynamic stability) has been performed for this missense variant. However, the output from this modeling did not meet the statistical confidence thresholds required to predict the impact of this variant on MVK protein function. For these reasons, this variant has been classified as Pathogenic.

Myriad Genetics, Inc.
Classification: Likely pathogenic for Deficiency of mevalonate kinase. Last evaluated: 2025-04-04. Review status: criteria provided, single submitter. Criteria: Myriad Autosomal Dominant, Autosomal Recessive and X-Linked Classification Criteria (2023). Collection method: clinical testing. Allele origin: unknown.
Comment: NM_000431.2(MVK):c.1139A>G(H380R) is a missense variant classified as likely pathogenic in the context of mevalonate kinase deficiency. H380R has been observed in cases with relevant disease (PMID: 15804303, 21399979, 24561416, 29047407, Barron_2013_(Abstract)). Relevant functional assessments of this variant are not available in the literature. H380R has been observed in referenced population frequency databases. In summary, NM_000431.2(MVK):c.1139A>G(H380R) is a missense variant that has been observed more frequently in cases with the relevant disease than in healthy populations. Please note: this variant was assessed in the context of healthy population screening.

PreventionGenetics, part of Exact Sciences
Classification: Likely pathogenic for MVK-related condition. Last evaluated: 2024-11-11. Review status: criteria provided, single submitter. Criteria: ACMG Guidelines, 2015. Collection method: clinical testing. Allele origin: germline.
Comment: The MVK c.1139A>G variant is predicted to result in the amino acid substitution p.His380Arg. This variant has been reported, along with other variants in MVK in the compound heterozygous state and unknown phase, in individuals with hyper-IgD and periodic fever syndrome (HIDS) (Wickiser and Saulsbury. 2005. PubMed ID: 15804303; Tahara et al. 2011. PubMed ID: 21399979; Shendi et al. 2014. PubMed ID: 24561416; Papa et al. 2017. PubMed ID: 29047407). A long-term study of 103 individuals with hyperimmunoglobulinemia D syndrome found that the c.1139A>G (p.His380Arg) was present at an allele frequency of 1.5% and was a prevalent variant seen in patients (van der Hilst et al. 2008. PubMed ID: 19011501). This variant is reported in 0.0078% of alleles in individuals of European (Non-Finnish) descent in gnomAD and has conflicting interpretations regarding its pathogenicity in ClinVar, ranging from pathogenic to likely pathogenic to uncertain significance. This variant is interpreted as likely pathogenic.

Fulgent Genetics
Classification: Likely pathogenic for Porokeratosis 3, disseminated superficial actinic type; Hyperimmunoglobulin D with periodic fever; Mevalonic aciduria. Last evaluated: 2024-06-24. Review status: criteria provided, single submitter. Criteria: ACMG Guidelines, 2015. Collection method: clinical testing. Allele origin: germline.

Victorian Clinical Genetics Services, Murdoch Childrens Research Institute
Classification: Pathogenic for Mevalonic aciduria. Last evaluated: 2023-12-21. Review status: criteria provided, single submitter. Criteria: ACMG Guidelines, 2015. Collection method: clinical testing. Allele origin: germline. Inheritance: Autosomal recessive inheritance. Affected: yes.
Comment: Based on the classification scheme VCGS_Germline_v1.3.4, this variant is classified as Pathogenic. Following criteria are met: 0102 - Loss of function is a known mechanism of disease in this gene and is associated with mevalonic aciduria (MIM#610377). (I) 0106 - This gene is associated with autosomal recessive disease. (I) 0115 - Variants in this gene are known to have variable expressivity. Intra-familial variability has been reported (PMID: 32822427). In addition, this gene may be associated with a spectrum of disease, including severe perinatal presentations with hydrops (PMID: 27012807). (I) 0200 - Variant is predicted to result in a missense amino acid change from histidine to arginine. (I) 0251 - This variant is heterozygous. (I) 0304 - Variant is present in gnomAD <0.01 for a recessive condition (v2: 10 heterozygotes, 0 homozygotes). (SP) 0501 - Missense variant consistently predicted to be damaging by multiple in silico tools or highly conserved with a major amino acid change. 0604 - Variant is not located in an established domain, motif, hotspot or informative constraint region. (I) 0801 - This variant has strong previous evidence of pathogenicity in unrelated individuals. This variant has been reported in multiple individuals with mevalonate kinase deficiency and hyperimmunoglobulinemia D and Periodic Fever Syndrome (ClinVar, PMIDs: 15804303; 29047407; 24561416; 21399979). (SP) 1102 - Strong phenotype match for this individual. (SP) 1201 - Heterozygous variant detected in trans with a second pathogenic heterozygous variant (NM_000431.2:c.709A>T; p.(Thr237Ser)) in a recessive disease. (I) Legend: (SP) - Supporting pathogenic, (I) - Information, (SB) - Supporting benign

Blueprint Genetics
Classification: Pathogenic for MVK-related disorders. Last evaluated: 2023-08-31. Review status: criteria provided, single submitter. Criteria: ACMG Guidelines, 2015. Collection method: clinical testing. Allele origin: germline. Affected: yes. Observed: 5 variant alleles.

Mayo Clinic Laboratories, Mayo Clinic
Classification: Likely pathogenic. Last evaluated: 2022-04-27. Review status: criteria provided, single submitter. Criteria: ACMG Guidelines, 2015. Collection method: clinical testing. Allele origin: germline. Observed: 1 variant allele.
Comment: PP3, PM1, PM2_supporting, PS4_moderate

ARUP Laboratories, Molecular Genetics and Genomics, ARUP Laboratories
Classification: Likely pathogenic. Review status: criteria provided, single submitter. Criteria: ARUP Molecular Germline Variant Investigation Process 2024. Collection method: clinical testing. Allele origin: germline.
Comment: The MVK c.1139A>G; p.His380Arg variant (rs104895324, ClinVar Variation ID: 97569) is reported in the medical literature in individuals with mevalonate kinase deficiency, hyperimmunoglobulinemia D and periodic fever syndrome (Shendi 2014, Tahara 2011, Wickiser 2005). This variant is found in the non-Finnish European population with an allele frequency of 0.007% (10/128500 alleles) in the Genome Aggregation Database (v2.1.1). Computational analyses predict that this variant is deleterious (REVEL: 0.796). Based on available information, this variant is considered to be likely pathogenic. References: Papa R et al. A web-based collection of genotype-phenotype associations in hereditary recurrent fevers from the Eurofever registry. Orphanet J Rare Dis. 2017 Oct 18;12(1):167. PMID: 29047407. Shendi HM et al. Interleukin 6 blockade for hyperimmunoglobulin D and periodic fever syndrome. J Clin Rheumatol. 2014 Mar;20(2):103-5. PMID: 24561416 Tahara M et al. Patient with neonatal-onset chronic hepatitis presenting with mevalonate kinase deficiency with a novel MVK gene mutation. Mod Rheumatol. 2011 Dec;21(6):641-5. PMID: 21399979 Wickiser JE and Saulsbury FT. Henoch-Schonlein purpura in a child with hyperimmunoglobulinemia D and periodic fever syndrome. Pediatr Dermatol. 2005 Mar-Apr;22(2):138-41. PMID: 15804303 van der Hilst JCH et al. Long-term follow-up, clinical features, and quality of life in a series of 103 patients with hyperimmunoglobulinemia D syndrome. Medicine (Baltimore). 2008 Nov;87(6):301-310. PMID: 19011501.

Molecular Genetics Laboratory, BC Children's and BC Women's Hospitals
Classification: Likely pathogenic for Hyperimmunoglobulin D with periodic fever. Last evaluated: 2021-08-05. Review status: no assertion criteria provided. Criteria: ACMG Guidelines, 2015. Collection method: clinical testing. Allele origin: germline. Affected: yes. Not counted in ClinVar's aggregate classification.

Unité médicale des maladies autoinflammatoires, CHRU Montpellier
No classification provided. Condition: Hyperimmunoglobulin D with periodic fever. Review status: no classification provided. Collection method: not provided. Allele origin: unknown. Not counted in ClinVar's aggregate classification.
Comment: also involved in OMIM 25117

Literature cited by the submitters: PubMed 15804303 (cited by Labcorp Genetics (formerly Invitae), Labcorp and Victorian Clinical Genetics Services, Murdoch Childrens Research Institute); PubMed 19011501 (cited by Labcorp Genetics (formerly Invitae), Labcorp); PubMed 21399979 (cited by Labcorp Genetics (formerly Invitae), Labcorp and Victorian Clinical Genetics Services, Murdoch Childrens Research Institute); PubMed 24561416 (cited by Labcorp Genetics (formerly Invitae), Labcorp and Victorian Clinical Genetics Services, Murdoch Childrens Research Institute); PubMed 29047407 (cited by Labcorp Genetics (formerly Invitae), Labcorp and Victorian Clinical Genetics Services, Murdoch Childrens Research Institute); PubMed 27012807 (cited by Victorian Clinical Genetics Services, Murdoch Childrens Research Institute); PubMed 32822427 (cited by Victorian Clinical Genetics Services, Murdoch Childrens Research Institute).

NM_000431.4(MVK):c.1139A>G (p.His380Arg)

Gene: MVK (mevalonate kinase; plus strand). Cytogenetic location: 12q24.11.
Variant type: single nucleotide variant.
Coding change: c.1139A>G on transcript NM_000431.4 (MANE Select); coding-DNA position 1139, A replaced by G.
Protein change: p.His380Arg; replaces histidine 380 with arginine.
Molecular consequence: missense variant.
Genome position (GRCh38, 1-based): chr12:109,596,525, A>G. VCF-style: chr12-109596525-A-G. GRCh37 (hg19) VCF-style: chr12-110034330-A-G.
Other names: c.1139A>G, p.His380Arg (NM_001114185.3); c.983A>G, p.His328Arg (NM_001301182.2); short protein forms H380R, H328R.
Identifiers: ClinVar variation 97569 (VCV000097569.29), dbSNP rs104895324, ClinGen allele CA149786.
Genomic context (GRCh38, chr12:109,596,525, plus strand): 5'-TGACCAGCTGTGGCTTTGACTGCTTGGAAACCAGCATCGGTGCCCCCGGCGTCTCCATCC[A>G]CTCAGCCACCTCCCTGGACAGCCGAGTCCAGCAAGCCCTGGATGGCCTCTGAGAGGAGCC-3'
Protein context (NP_000422.1, residues 370-390): TSIGAPGVSI[His380Arg]SATSLDSRVQ